The following is an entry in ClinVar:

NM_198578.4(LRRK2):c.4290C>T (p.Ala1430=)

Gene: LRRK2 (leucine rich repeat kinase 2; plus strand). Cytogenetic location: 12q12.
Variant type: single nucleotide variant.
Coding change: c.4290C>T on transcript NM_198578.4 (MANE Select); coding-DNA position 4290, C replaced by T.
Protein change: p.Ala1430=; no amino-acid change (alanine 1430 retained).
Molecular consequence: synonymous variant.
Genome position (GRCh38, 1-based): chr12:40,309,206, C>T. VCF-style: chr12-40309206-C-T. GRCh37 (hg19) VCF-style: chr12-40703008-C-T.
Identifiers: ClinVar variation 39182 (VCV000039182.8), dbSNP rs111435410, ClinGen allele CA343575.
Genomic context (GRCh38, chr12:40,309,206, plus strand): 5'-GCAGCGAGCATTGTACCTTGCTGTCTATGACCTCAGCAAGGGACAGGCTGAAGTTGATGC[C>T]ATGAAGCCTTGGCTCTTCAATATAAAGGTGATTTGTTCTGATCATTTGAAAATAGAAAAT-3'
Protein context (NP_940980.4, residues 1420-1440): DLSKGQAEVD[Ala1430=]MKPWLFNIKA

ClinVar aggregate classification (germline): Likely benign. Review status: criteria provided, multiple submitters, no conflicts (2 of 4 stars). 4 submissions from 4 submitters: Likely benign (2). 2 of the submissions do not count toward it. Last evaluated 2025-03-22.

Conditions:
Inborn genetic diseases. Identifiers: MedGen C0950123, MeSH D030342.
Autosomal dominant Parkinson disease 8. Also called: Parkinson disease 8, susceptibility to; LRRK2-Related Parkinson Disease; Parkinson disease 8. Identifiers: Orphanet 411602, MedGen C1846862, MONDO:0011764, OMIM 607060.
LRRK2-related disorder. Also called: LRRK2-related condition.

Allele frequency attached by ClinVar (database versions not stated): gnomAD 0.00003; gnomAD exomes 0.00003 and 0.00004; ESP Exome Variant Server 0.00008; TOPMed 0.00001; ExAC 0.00003.
gnomAD v4.1: 55 of 1,613,618 alleles (0.0034%); highest among the groups gnomAD compares: South Asian, 0.0055%; no homozygotes.

Submissions (4):

Labcorp Genetics (formerly Invitae), Labcorp
Classification: Likely benign for Autosomal dominant Parkinson disease 8. Last evaluated: 2025-03-22. Review status: criteria provided, single submitter. Criteria: Invitae Variant Classification Sherloc (09022015). Collection method: clinical testing. Allele origin: germline.

Ambry Genetics
Classification: Likely benign for Inborn genetic diseases. Last evaluated: 2022-02-12. Review status: criteria provided, single submitter. Criteria: Ambry Variant Classification Scheme 2023. Collection method: clinical testing. Allele origin: germline.

PreventionGenetics, part of Exact Sciences
Classification: Likely benign for LRRK2-related condition. Last evaluated: 2023-03-22. Review status: no assertion criteria provided. Collection method: clinical testing. Allele origin: germline. Not counted in ClinVar's aggregate classification.
Comment: This variant is classified as likely benign based on ACMG/AMP sequence variant interpretation guidelines (Richards et al. 2015 PMID: 25741868, with internal and published modifications).

GeneReviews
No classification provided. Condition: Autosomal dominant Parkinson disease 8. Review status: no classification provided. Collection method: literature only. Allele origin: unknown. Not counted in ClinVar's aggregate classification.

Literature cited by the submitters: PubMed 20301387 (cited by GeneReviews); NCBI Bookshelf NBK1208 (cited by GeneReviews).